The following is an entry in ClinVar:

NM_032607.3(CREB3L3):c.743G>A (p.Arg248His)

Gene: CREB3L3 (cAMP responsive element binding protein 3 like 3; plus strand). Cytogenetic location: 19p13.3.
Variant type: single nucleotide variant.
Coding change: c.743G>A on transcript NM_032607.3 (MANE Select); coding-DNA position 743, G replaced by A.
Protein change: p.Arg248His; replaces arginine 248 with histidine.
Molecular consequence: missense variant. On other transcripts: intron variant (1).
Genome position (GRCh38, 1-based): chr19:4,168,379, G>A. VCF-style: chr19-4168379-G-A. GRCh37 (hg19) VCF-style: chr19-4168376-G-A.
Other names: c.715-1761G>A (NM_001271997.2); c.740G>A, p.Arg247His (NM_001271995.2); c.737G>A, p.Arg246His (NM_001271996.2); short protein forms R246H, R247H, R248H.
Identifiers: ClinVar variation 3668507 (VCV003668507.2).

ClinVar aggregate classification (germline): Uncertain significance (1 of 4 stars; one submission).

gnomAD v4.1: 50 of 1,610,692 alleles (0.0031%); highest among the groups gnomAD compares: South Asian, 0.038%; no homozygotes.

Submission:

Labcorp Genetics (formerly Invitae), Labcorp
Classification: Uncertain significance. Last evaluated: 2024-06-11. Review status: criteria provided, single submitter. Criteria: Invitae Variant Classification Sherloc (09022015). Collection method: clinical testing. Allele origin: germline.
Comment: This sequence change replaces arginine, which is basic and polar, with histidine, which is basic and polar, at codon 248 of the CREB3L3 protein (p.Arg248His). This variant is present in population databases (rs750605957, gnomAD 0.04%), and has an allele count higher than expected for a pathogenic variant. This missense change has been observed in individual(s) with clinical features of CREB3L3-related conditions (PMID: 32041611). Advanced modeling of protein sequence and biophysical properties (such as structural, functional, and spatial information, amino acid conservation, physicochemical variation, residue mobility, and thermodynamic stability) performed at Invitae indicates that this missense variant is expected to disrupt CREB3L3 protein function with a positive predictive value of 80%. In summary, the available evidence is currently insufficient to determine the role of this variant in disease. Therefore, it has been classified as a Variant of Uncertain Significance.

Literature cited by the submitters: PubMed 32041611.